The following is an entry in ClinVar:

ClinVar aggregate classification (germline): Uncertain significance (1 of 4 stars; one submission).

Conditions:
Neurofibromatosis, type 1 (NF1). Also called: VON RECKLINGHAUSEN DISEASE; Neurofibromatosis, type I; NEUROFIBROMATOSIS, TYPE I, SOMATIC; Peripheral type neurofibromatosis. Identifiers: Orphanet 636, MedGen C0027831, MONDO:0018975, OMIM 162200. Disease mechanism: loss of function.

Submission:

Labcorp Genetics (formerly Invitae), Labcorp
Classification: Uncertain significance for Neurofibromatosis, type 1. Last evaluated: 2018-09-03. Review status: criteria provided, single submitter. Criteria: Invitae Variant Classification Sherloc (09022015). Collection method: clinical testing. Allele origin: germline.
Comment: This variant results in a copy number gain of the genomic region encompassing exon 57 of the NF1 gene. The 5' boundary is likely confined to intron 56. The 3' end of this event is unknown as it extends beyond the assayed region for this gene and therefore may encompass additional genes. As the precise location of this event is unknown, it may be in tandem or it may be located elsewhere in the genome. A copy number gain of exon 57 has not been reported in the literature in individuals with NF1-related disease. Experimental studies and prediction algorithms are not available for this variant, and the functional significance of the duplicated exon is currently unknown. In summary, the available evidence is currently insufficient to determine the role of this variant in disease. Therefore, it has been classified as a Variant of Uncertain Significance.

NC_000017.10:g.(?_29701025)_(29701178_?)dup

Gene: NF1 (neurofibromin 1; plus strand). Cytogenetic location: 17q11.2.
Variant type: Duplication.
Identifiers: ClinVar variation 649082 (VCV000649082.1).